The following is an entry in ClinVar:

NM_183381.3(RNF13):c.321G>C (p.Lys107Asn)

Gene: RNF13 (ring finger protein 13; plus strand). Cytogenetic location: 3q25.1.
Variant type: single nucleotide variant.
Coding change: c.321G>C on transcript NM_183381.3 (MANE Select); coding-DNA position 321, G replaced by C.
Protein change: p.Lys107Asn; replaces lysine 107 with asparagine.
Molecular consequence: missense variant. On other transcripts: 5 prime UTR variant (6), non-coding transcript variant (1).
Genome position (GRCh38, 1-based): chr3:149,872,154, G>C. VCF-style: chr3-149872154-G-C. GRCh37 (hg19) VCF-style: chr3-149589941-G-C.
Other names: c.321G>C, p.Lys107Asn (NM_001378285.1, NM_001378286.1, NM_007282.4); c.-47G>C (NM_001378287.1, NM_001378288.1, NM_001378289.1 and 2 more transcripts); c.-73G>C (NM_001378291.1); short protein forms K107N.
Identifiers: ClinVar variation 2784162 (VCV002784162.4), dbSNP rs1248927481, ClinGen allele CA355010404.
Genomic context (GRCh38, chr3:149,872,154, plus strand): 5'-CAATTCATCTGGCACTTTCATCGTGTTAATTAGAAGACTTGATTGTAATTTTGATATAAA[G>C]GTATGATTATCTTTTTTCATTTTTTGTTTCCTATTTGTTCAGTTAGCTAATTTAAATCAT-3'
Protein context (NP_899237.1, residues 97-117): IRRLDCNFDI[Lys107Asn]VLNAQRAGYK

ClinVar aggregate classification (germline): Uncertain significance (1 of 4 stars; one submission).

Allele frequency attached by ClinVar (database versions not stated): gnomAD exomes below 0.00001; gnomAD 0.00001.
gnomAD v4.1: 2 of 1,538,650 alleles (0.00013%); highest among the groups gnomAD compares: Non-Finnish European, 0.00018%; no homozygotes.

Submissions (2):

Labcorp Genetics (formerly Invitae), Labcorp
Classification: Uncertain significance. Last evaluated: 2023-05-10. Review status: criteria provided, single submitter. Criteria: Invitae Variant Classification Sherloc (09022015). Collection method: clinical testing. Allele origin: germline.
Comment: In summary, the available evidence is currently insufficient to determine the role of this variant in disease. Therefore, it has been classified as a Variant of Uncertain Significance. Variants that disrupt the consensus splice site are a relatively common cause of aberrant splicing (PMID: 17576681, 9536098). Algorithms developed to predict the effect of sequence changes on RNA splicing suggest that this variant may disrupt the consensus splice site. An algorithm developed to predict the effect of missense changes on protein structure and function (PolyPhen-2) suggests that this variant is likely to be disruptive. This variant has not been reported in the literature in individuals affected with RNF13-related conditions. This variant is present in population databases (no rsID available, gnomAD 0.007%). This sequence change replaces lysine, which is basic and polar, with asparagine, which is neutral and polar, at codon 107 of the RNF13 protein (p.Lys107Asn). This variant also falls at the last nucleotide of exon 5, which is part of the consensus splice site for this exon.

Dr. Peter K. Rogan Lab, Western University
No classification provided (evidence only). Condition: Acute myeloid leukemia. Review status: no classification provided. Collection method: in vitro. Allele origin: not applicable. Functional consequence: skipped exon, retained intron. Not counted in ClinVar's aggregate classification.

Literature cited by the submitters: PubMed 17576681 (cited by Labcorp Genetics (formerly Invitae), Labcorp); PubMed 9536098 (cited by Labcorp Genetics (formerly Invitae), Labcorp).